The following is an entry in ClinVar:

NM_000334.4(SCN4A):c.5506G>A (p.Val1836Ile)

Genes: GH-LCR (growth hormone locus control region; plus strand), SCN4A (sodium voltage-gated channel alpha subunit 4; minus strand). Cytogenetic location: 17q23.3.
Variant type: single nucleotide variant.
Coding change: c.5506G>A on transcript NM_000334.4 (MANE Select); coding-DNA position 5506, G replaced by A.
Protein change: p.Val1836Ile; replaces valine 1836 with isoleucine.
Molecular consequence: missense variant.
Genome position (GRCh38, 1-based): chr17:63,940,776, C>T on the plus strand (G>A on the coding strand, the complement: SCN4A is on the minus strand). VCF-style: chr17-63940776-C-T. GRCh37 (hg19) VCF-style: chr17-62018136-C-T.
Other names: short protein forms V1836I.
Identifiers: ClinVar variation 999587 (VCV000999587.10), dbSNP rs554836244, ClinGen allele CA8708735.

ClinVar aggregate classification (germline): Uncertain significance. Review status: criteria provided, multiple submitters, no conflicts (2 of 4 stars). 2 submissions from 2 submitters: Uncertain significance (2). Last evaluated 2025-08-24.

Conditions:
Potassium-aggravated myotonia. Also called: Myotonia congenita, atypical, acetazolamide-responsive; MYOTONIA CONGENITA, ACETAZOLAMIDE-RESPONSIVE; MYOTONIA CONGENITA, ATYPICAL; SODIUM CHANNEL MUSCLE DISEASE. Identifiers: Orphanet 612, Orphanet 99734, Orphanet 99735, Orphanet 99736, MedGen C2931826, MONDO:0018959, OMIM 608390.
Congenital myasthenic syndrome 16. Identifiers: Orphanet 590, MedGen C3280112, MONDO:0013620, OMIM 614198.
Paramyotonia congenita of Von Eulenburg. Also called: Paramyotonia Congenita; PARALYSIS PERIODICA PARAMYOTONICA; Eulenburg disease; Myotonia congenita intermittens; Von Eulenburg paramyotonia congenita. Identifiers: Orphanet 684, MedGen C0221055, MONDO:0008195, OMIM 168300. Disease mechanism: loss of function.
Hypokalemic periodic paralysis, type 2 (HOKPP2). Identifiers: Orphanet 681, MedGen C2750061, MONDO:0013234, OMIM 613345.
Hypokalemic periodic paralysis, type 1. Also called: Hypokalemic Periodic Paralysis Type 1 (AD); HypoPP. Identifiers: Orphanet 681, MedGen C3714580, MONDO:0042979, OMIM 170400.
Hyperkalemic periodic paralysis. Also called: Familial hyperkalemic periodic paralysis; Gamstorp disease. Identifiers: Orphanet 682, MedGen C0238357, MONDO:0008224, OMIM 170500, HP:0007215.

Allele frequency attached by ClinVar (database versions not stated): gnomAD 0.00001 and 0.00003; gnomAD exomes 0.00001 and 0.00003; TOPMed 0.00002; ExAC 0.00003; 1000 Genomes Project 30x 0.00031; 1000 Genomes Project 0.00040.
gnomAD v4.1: 14 of 1,567,598 alleles (0.00089%); highest among the groups gnomAD compares: East Asian, 0.0045%; no homozygotes.

Submissions (2):

Labcorp Genetics (formerly Invitae), Labcorp
Classification: Uncertain significance for Hyperkalemic periodic paralysis. Last evaluated: 2025-08-24. Review status: criteria provided, single submitter. Criteria: Invitae Variant Classification Sherloc (09022015). Collection method: clinical testing. Allele origin: germline.
Comment: This sequence change replaces valine, which is neutral and non-polar, with isoleucine, which is neutral and non-polar, at codon 1836 of the SCN4A protein (p.Val1836Ile). This variant is present in population databases (rs554836244, gnomAD 0.02%). This variant has not been reported in the literature in individuals affected with SCN4A-related conditions. ClinVar contains an entry for this variant (Variation ID: 999587). Invitae Evidence Modeling of protein sequence and biophysical properties (such as structural, functional, and spatial information, amino acid conservation, physicochemical variation, residue mobility, and thermodynamic stability) indicates that this missense variant is not expected to disrupt SCN4A protein function with a negative predictive value of 95%. In summary, the available evidence is currently insufficient to determine the role of this variant in disease. Therefore, it has been classified as a Variant of Uncertain Significance.

Fulgent Genetics
Classification: Uncertain significance for Paramyotonia congenita of Von Eulenburg; Hypokalemic periodic paralysis, type 1; Hyperkalemic periodic paralysis; Potassium-aggravated myotonia; Hypokalemic periodic paralysis, type 2; Congenital myasthenic syndrome 16. Last evaluated: 2021-08-18. Review status: criteria provided, single submitter. Criteria: ACMG Guidelines, 2015. Collection method: clinical testing. Allele origin: unknown.